The following is an entry in ClinVar:

NM_001393504.1(MAST3):c.220C>G (p.Arg74Gly)

Gene: MAST3 (microtubule associated serine/threonine kinase 3; plus strand). Cytogenetic location: 19p13.11.
Variant type: single nucleotide variant.
Coding change: c.220C>G on transcript NM_001393504.1 (MANE Select); coding-DNA position 220, C replaced by G.
Protein change: p.Arg74Gly; replaces arginine 74 with glycine.
Molecular consequence: missense variant.
Genome position (GRCh38, 1-based): chr19:18,121,743, C>G. VCF-style: chr19-18121743-C-G. GRCh37 (hg19) VCF-style: chr19-18232553-C-G.
Other names: c.220C>G, p.Arg74Gly (NM_001393501.1, NM_001393502.1); c.196C>G, p.Arg66Gly (NM_001393503.1, NM_001393505.1, NM_001393507.1); c.148C>G, p.Arg50Gly (NM_001393506.1, NM_001393510.1, NM_001393511.1 and 3 more transcripts); c.130C>G, p.Arg44Gly (NM_001393508.1, NM_001393509.1, NM_001393512.1 and 6 more transcripts); c.106C>G, p.Arg36Gly (NM_001393521.1); short protein forms R36G, R44G, R50G, R66G, R74G.
Identifiers: ClinVar variation 1801929 (VCV001801929.1), dbSNP rs2040004769, ClinGen allele CA404800250.

ClinVar aggregate classification (germline): Uncertain significance (1 of 4 stars; one submission).

Allele frequency attached by ClinVar (database versions not stated): TOPMed below 0.00001.

Submission:

GeneDx
Classification: Uncertain significance. Last evaluated: 2022-05-31. Review status: criteria provided, single submitter. Criteria: GeneDx Variant Classification Process June 2021. Collection method: clinical testing. Allele origin: germline. Affected: yes.
Comment: Not observed at significant frequency in large population cohorts (gnomAD); In silico analysis supports that this missense variant has a deleterious effect on protein structure/function; Has not been previously published as pathogenic or benign to our knowledge